The following is an entry in ClinVar:

NM_001042492.3(NF1):c.2259dup (p.Ala754fs)

Gene: NF1 (neurofibromin 1; plus strand). Cytogenetic location: 17q11.2.
Variant type: Duplication.
Coding change: c.2259dup on transcript NM_001042492.3 (MANE Select); coding-DNA position 2259, one base duplicated (A; older notation c.2259dupA).
Protein change: p.Ala754fs; shifts the reading frame from alanine 754.
Molecular consequence: frameshift variant.
Genome position (GRCh38, 1-based): chr17:31,227,225, A duplicated. VCF-style (leftmost placement, unchanged base first): chr17-31227224-C-CA. GRCh37 (hg19) VCF-style: chr17-29554242-C-CA.
Other names: c.2259dup, p.Ala754Serfs (NM_000267.4); short protein forms A754fs.
Identifiers: ClinVar variation 2861019 (VCV002861019.3), dbSNP rs2508165495, ClinGen allele CA2739267513.

ClinVar aggregate classification (germline): Pathogenic (1 of 4 stars; one submission).

Conditions:
Neurofibromatosis, type 1 (NF1). Also called: Neurofibromatosis, type I; NEUROFIBROMATOSIS, TYPE I, SOMATIC; Peripheral type neurofibromatosis; VON RECKLINGHAUSEN DISEASE. Identifiers: Orphanet 636, MedGen C0027831, MONDO:0018975, OMIM 162200. Disease mechanism: loss of function.

Submission:

Labcorp Genetics (formerly Invitae), Labcorp
Classification: Pathogenic for Neurofibromatosis, type 1. Last evaluated: 2023-05-01. Review status: criteria provided, single submitter. Criteria: Invitae Variant Classification Sherloc (09022015). Collection method: clinical testing. Allele origin: germline.
Comment: For these reasons, this variant has been classified as Pathogenic. This variant has not been reported in the literature in individuals affected with NF1-related conditions. This variant is not present in population databases (gnomAD no frequency). This sequence change creates a premature translational stop signal (p.Ala754Serfs*14) in the NF1 gene. It is expected to result in an absent or disrupted protein product. Loss-of-function variants in NF1 are known to be pathogenic (PMID: 10712197, 23913538).

Literature cited by the submitters: PubMed 10712197; PubMed 23913538.